The following is an entry in ClinVar:

NM_002875.5(RAD51):c.215A>C (p.Asp72Ala)

Gene: RAD51 (RAD51 recombinase; plus strand). Cytogenetic location: 15q15.1.
Variant type: single nucleotide variant.
Coding change: c.215A>C on transcript NM_002875.5 (MANE Select); coding-DNA position 215, A replaced by C.
Protein change: p.Asp72Ala; replaces aspartic acid 72 with alanine.
Molecular consequence: missense variant.
Genome position (GRCh38, 1-based): chr15:40,701,191, A>C. VCF-style: chr15-40701191-A-C. GRCh37 (hg19) VCF-style: chr15-40993389-A-C.
Other names: c.215A>C, p.Asp72Ala (NM_001164269.2, NM_001164270.2, NM_133487.4); short protein forms D72A.
Identifiers: ClinVar variation 3222842 (VCV003222842.1), dbSNP rs1164062003, ClinGen allele CA391746627.

ClinVar aggregate classification (germline): Uncertain significance (1 of 4 stars; one submission).

Conditions:
Inborn genetic diseases. Identifiers: MedGen C0950123, MeSH D030342.

Allele frequency attached by ClinVar (database versions not stated): gnomAD exomes below 0.00001.
gnomAD v4.1: 4 of 1,614,186 alleles (0.00025%); highest among the groups gnomAD compares: Non-Finnish European, 0.00025%; no homozygotes.

Submission:

Ambry Genetics
Classification: Uncertain significance for Inborn genetic diseases. Last evaluated: 2024-01-21. Review status: criteria provided, single submitter. Criteria: Ambry Variant Classification Scheme 2023. Collection method: clinical testing. Allele origin: germline.
Comment: The p.D72A variant (also known as c.215A>C), located in coding exon 2 of the RAD51 gene, results from an A to C substitution at nucleotide position 215. The aspartic acid at codon 72 is replaced by alanine, an amino acid with dissimilar properties. This amino acid position is conserved. In addition, the in silico prediction for this alteration is inconclusive. Based on the available evidence, the clinical significance of this alteration remains unclear.